The following is an entry in ClinVar:

NM_001365276.2(TNXB):c.39_47del (p.13VLL[1])

Gene: TNXB (tenascin XB; minus strand). Cytogenetic location: 6p21.33.
Variant type: Deletion.
Coding change: c.39_47del on transcript NM_001365276.2 (MANE Select); coding-DNA positions 39 to 47, 9 bases deleted (TCTCCTGGT; older notation c.39_47delTCTCCTGGT).
Protein change: p.13VLL[1].
Molecular consequence: inframe deletion.
Genome position (GRCh38, 1-based): chr6:32,098,152-32,098,160, ACCAGGAGA deleted on the plus strand (TCTCCTGGT on the coding strand, the reverse complement: TNXB is on the minus strand); deleting any 9 consecutive bases within chr6:32,098,152-32,098,166 gives the same sequence; the c. name uses the placement nearest the transcript's 3' end. VCF-style (leftmost placement, unchanged base first): chr6-32098151-CACCAGGAGA-C. GRCh37 (hg19) VCF-style: chr6-32065928-CACCAGGAGA-C.
Other names: c.39_47del, p.13VLL[1] (NM_001428335.1, NM_019105.8).
Identifiers: ClinVar variation 5004068 (VCV005004068.1).
Genomic context (GRCh38, chr6:32,098,151, plus strand): 5'-GGCTGGCAGTGTCACATTGGACCGTGAAGAGAAGGGGCCTGCTCTGGCTGTGCTCAGCAG[CACCAGGAGA>C]ACCAGGCTGGAGGTTAGAGCATACTGGGCTGGCATCATTCAGGAGGCTGCAGGGAGAAAG-3'

ClinVar aggregate classification (germline): Uncertain significance (1 of 4 stars; one submission).

Conditions:
Ehlers-Danlos syndrome due to tenascin-X deficiency (EDSCLL1). Also called: TNX DEFICIENCY; EDS DUE TO TNX DEFICIENCY; EHLERS-DANLOS SYNDROME, CLASSIC-LIKE; Ehlers-Danlos syndrome, classic-like, 1; TNXB-Related Classical-Like Ehlers-Danlos Syndrome. Identifiers: Orphanet 230839, MedGen C1848029, MONDO:0011670, OMIM 606408.

Submission:

Myriad Genetics, Inc.
Classification: Uncertain significance for Ehlers-Danlos syndrome due to tenascin-X deficiency. Last evaluated: 2025-07-18. Review status: criteria provided, single submitter. Criteria: Myriad Autosomal Dominant, Autosomal Recessive and X-Linked Classification Criteria (2023). Collection method: clinical testing. Allele origin: unknown.
Comment: NM_019105.6(TNXB):c.39_47del9(V16_L18del) is an in-frame deletion classified as a variant of uncertain significance in the context of classical-like Ehlers-Danlos syndrome, TNXB-related. V16_L18del has not been observed in cases with relevant disease. Relevant functional assessments of this variant are not available in the literature. V16_L18del has not been observed in referenced population frequency databases. In summary, there is insufficient evidence to classify NM_019105.6(TNXB):c.39_47del9(V16_L18del) as pathogenic or benign. Please note: this variant was assessed in the context of healthy population screening.